The following is an entry in ClinVar:

ClinVar aggregate classification (germline): Likely benign. Review status: criteria provided, single submitter (1 of 4 stars). 2 submissions from 2 submitters: Likely benign (1). 1 of the submissions does not count toward it. Last evaluated 2022-09-20.

Conditions:
CHD7-related disorder. Also called: CHD7-related condition.
CHARGE syndrome (CHARGE). Also called: Hittner Hirsch Kreh syndrome; CHARGE ASSOCIATION--COLOBOMA, HEART ANOMALY, CHOANAL ATRESIA, RETARDATION, GENITAL AND EAR ANOMALIES; Coloboma, heart anomaly, choanal atresia, retardation, genital and ear anomalies; CHARGE association; Hall-Hittner syndrome. Identifiers: Orphanet 138, MedGen C0265354, MONDO:0008965.

Submissions (2):

Labcorp Genetics (formerly Invitae), Labcorp
Classification: Likely benign for CHARGE syndrome. Last evaluated: 2022-09-20. Review status: criteria provided, single submitter. Criteria: Invitae Variant Classification Sherloc (09022015). Collection method: clinical testing. Allele origin: germline.

PreventionGenetics, part of Exact Sciences
Classification: Likely benign for CHD7-related condition. Last evaluated: 2019-07-12. Review status: no assertion criteria provided. Collection method: clinical testing. Allele origin: germline. Not counted in ClinVar's aggregate classification.
Comment: This variant is classified as likely benign based on ACMG/AMP sequence variant interpretation guidelines (Richards et al. 2015 PMID: 25741868, with internal and published modifications).

NM_017780.4(CHD7):c.3990-8T>C

Gene: CHD7 (chromodomain helicase DNA binding protein 7; plus strand). Cytogenetic location: 8q12.2.
Variant type: single nucleotide variant.
Coding change: c.3990-8T>C on transcript NM_017780.4 (MANE Select); 8 bases into the intron before coding-DNA position 3990, T replaced by C.
Molecular consequence: intron variant.
Genome position (GRCh38, 1-based): chr8:60,836,809, T>C. VCF-style: chr8-60836809-T-C. GRCh37 (hg19) VCF-style: chr8-61749368-T-C.
Other names: c.3990-8T>C (NM_017780.3); c.1717-25420T>C (NM_001316690.1).
Identifiers: ClinVar variation 2050922 (VCV002050922.6), dbSNP rs2487902639, ClinGen allele CA2580078461.